The following is an entry in ClinVar:

NM_000088.4(COL1A1):c.3377del (p.Pro1126fs)

Gene: COL1A1 (collagen type I alpha 1 chain; minus strand). Cytogenetic location: 17q21.33.
Variant type: Deletion.
Coding change: c.3377del on transcript NM_000088.4 (MANE Select); coding-DNA position 3377, one base deleted (C; older notation c.3377delC).
Protein change: p.Pro1126fs; shifts the reading frame from proline 1126.
Molecular consequence: frameshift variant.
Genome position (GRCh38, 1-based): chr17:50,187,530, G deleted on the plus strand (C on the coding strand, the reverse complement: COL1A1 is on the minus strand); the first of 2 consecutive G bases (chr17:50,187,530-50,187,531); deleting either gives the same sequence. VCF-style (leftmost placement, unchanged base first): chr17-50187529-AG-A. GRCh37 (hg19) VCF-style: chr17-48264890-AG-A.
Other names: short protein forms P1126fs.
Identifiers: ClinVar variation 2096646 (VCV002096646.4), dbSNP rs2509169974, ClinGen allele CA2580094202.
Genomic context (GRCh38, chr17:50,187,529, plus strand): 5'-GAAGGCATGACTTACTCGGGGACCAGCAGGACCAGAGGCTCCAGAGGGACCTTGTTCACC[AG>A]GAGAGCCCTGAAGGACAGATAAAAAAGGCAGTTCAGGCCCAGTGAGCGTCAAATGTAGCC-3'

ClinVar aggregate classification (germline): Pathogenic (1 of 4 stars; one submission).

Conditions:
Osteogenesis imperfecta type I (OI1). Also called: Lobstein disease; Lobstein's Disease; Osteogenesis imperfecta type 1; Classic Non-deforming Osteogenesis Imperfecta with Blue Sclerae; OI, TYPE I; OSTEOGENESIS IMPERFECTA TARDA. Identifiers: Orphanet 216796, Orphanet 666, MedGen C0023931, MONDO:0008146, OMIM 166200. Disease mechanism: loss of function.

Submission:

Labcorp Genetics (formerly Invitae), Labcorp
Classification: Pathogenic for Osteogenesis imperfecta type I. Last evaluated: 2022-05-20. Review status: criteria provided, single submitter. Criteria: Invitae Variant Classification Sherloc (09022015). Collection method: clinical testing. Allele origin: germline.
Comment: This variant is not present in population databases (gnomAD no frequency). For these reasons, this variant has been classified as Pathogenic. This variant has not been reported in the literature in individuals affected with COL1A1-related conditions. This sequence change creates a premature translational stop signal (p.Pro1126Leufs*113) in the COL1A1 gene. It is expected to result in an absent or disrupted protein product. Loss-of-function variants in COL1A1 are known to be pathogenic (PMID: 7942841, 9295084, 9443882).

Literature cited by the submitters: PubMed 7942841; PubMed 9295084; PubMed 9443882.